The following is an entry in ClinVar:

ClinVar aggregate classification (germline): Benign/Likely benign. Review status: criteria provided, multiple submitters, no conflicts (2 of 4 stars). 3 submissions from 3 submitters: Benign (1); Likely benign (2). Last evaluated 2025-03-17.

Conditions:
Carney-Stratakis syndrome. Also called: PARAGANGLIOMA AND GASTROINTESTINAL STROMAL TUMOR. Identifiers: Orphanet 97286, MedGen C1847319, MONDO:0011740, OMIM 606864.
Paragangliomas with sensorineural hearing loss. Identifiers: MedGen C1868633.
Cowden syndrome 3 (CWS3). Identifiers: Orphanet 201, MedGen CN166604, MONDO:0014045.
Pheochromocytoma. Also called: MAX-Related Hereditary Paraganglioma-Pheochromocytoma Syndrome. Identifiers: Orphanet 29072, MedGen C0031511, MONDO:0008233, OMIM 171300, HP:0002666.
Hereditary cancer-predisposing syndrome. Also called: Tumor predisposition; Hereditary Cancer Syndrome; Neoplastic Syndromes, Hereditary; Hereditary neoplastic syndrome. Identifiers: Orphanet 140162, MedGen C0027672, MeSH D009386, MONDO:0015356.
Pheochromocytoma/paraganglioma syndrome 1. Also called: PARAGANGLIOMATA; PARAGANGLIOMAS, FAMILIAL NONCHROMAFFIN, 1; PGL 1; Paragangliomas familial 1; Paraganglioma - glomus jugulare; SDHD-Related Hereditary Paraganglioma-Pheochromocytoma Syndrome. Identifiers: Orphanet 29072, MedGen C3494181, MONDO:0008192, OMIM 168000.

Submissions (3):

Myriad Genetics, Inc.
Classification: Benign for Pheochromocytoma/paraganglioma syndrome 1. Last evaluated: 2025-03-17. Review status: criteria provided, single submitter. Criteria: Myriad Autosomal Dominant, Autosomal Recessive and X-Linked Classification Criteria (2023). Collection method: clinical testing. Allele origin: unknown.
Comment: This variant is considered benign. This variant is a silent/synonymous amino acid change and it is not expected to impact splicing.

Labcorp Genetics (formerly Invitae), Labcorp
Classification: Likely benign for Carney-Stratakis syndrome; Paragangliomas with sensorineural hearing loss; Pheochromocytoma; Cowden syndrome 3. Last evaluated: 2024-05-05. Review status: criteria provided, single submitter. Criteria: Invitae Variant Classification Sherloc (09022015). Collection method: clinical testing. Allele origin: germline.

Ambry Genetics
Classification: Likely benign for Hereditary cancer-predisposing syndrome. Last evaluated: 2019-08-22. Review status: criteria provided, single submitter. Criteria: Ambry Variant Classification Scheme 2023. Collection method: clinical testing. Allele origin: germline.

NM_003002.4(SDHD):c.180G>A (p.Lys60=)

Gene: SDHD (succinate dehydrogenase complex subunit D; plus strand). Cytogenetic location: 11q23.1.
Variant type: single nucleotide variant.
Coding change: c.180G>A on transcript NM_003002.4 (MANE Select); coding-DNA position 180, G replaced by A.
Protein change: p.Lys60=; no amino-acid change (lysine 60 retained).
Molecular consequence: synonymous variant. On other transcripts: non-coding transcript variant (1), intron variant (1).
Genome position (GRCh38, 1-based): chr11:112,088,877, G>A. VCF-style: chr11-112088877-G-A. GRCh37 (hg19) VCF-style: chr11-111959601-G-A.
Other names: c.63G>A, p.Lys21= (NM_001276504.2); c.180G>A, p.Lys60= (NM_001276506.2); c.169+904G>A (NM_001276503.2).
Identifiers: ClinVar variation 1014142 (VCV001014142.51), dbSNP rs750688879, ClinGen allele CA476790268.